The following is an entry in ClinVar:

NM_002234.4(KCNA5):c.229C>T (p.Pro77Ser)

Gene: KCNA5 (potassium voltage-gated channel subfamily A member 5; plus strand). Cytogenetic location: 12p13.32.
Variant type: single nucleotide variant.
Coding change: c.229C>T on transcript NM_002234.4 (MANE Select); coding-DNA position 229, C replaced by T.
Protein change: p.Pro77Ser; replaces proline 77 with serine.
Molecular consequence: missense variant.
Genome position (GRCh38, 1-based): chr12:5,044,376, C>T. VCF-style: chr12-5044376-C-T. GRCh37 (hg19) VCF-style: chr12-5153542-C-T.
Other names: short protein forms P77S.
Identifiers: ClinVar variation 469590 (VCV000469590.17), dbSNP rs202083721, ClinGen allele CA6399572.
Genomic context (GRCh38, chr12:5,044,376, plus strand): 5'-CAGAGAGACGCGGACTCGGGAGTGCGGCCCTTGCCTCCGCTGCCGGACCCGGGAGTGCGG[C>T]CCTTGCCTCCGCTGCCAGAGGAGCTGCCACGGCCTCGACGGCCGCCTCCCGAGGACGAGG-3'
Protein context (NP_002225.2, residues 67-87): LPPLPDPGVR[Pro77Ser]LPPLPEELPR

ClinVar aggregate classification (germline): Benign/Likely benign. Review status: criteria provided, multiple submitters, no conflicts (2 of 4 stars). 5 submissions from 5 submitters: Benign (1); Likely benign (3). 1 of the submissions does not count toward it. Last evaluated 2026-01-13.

Conditions:
Pulmonary arterial hypertension. Identifiers: Orphanet 182090, MedGen C2973725, MeSH D000081029, MONDO:0015924, HP:0002092.
Atrial fibrillation, familial, 7 (ATFB7). Identifiers: MedGen C2677106, MONDO:0012828, OMIM 612240.

Allele frequency attached by ClinVar (database versions not stated): ESP Exome Variant Server 0.00008; TOPMed 0.00112; 1000 Genomes Project 0.00140; 1000 Genomes Project 30x 0.00172; ExAC 0.00248.
gnomAD v4.1: 573 of 1,566,096 alleles (0.037%); highest among the groups gnomAD compares: Admixed American, 0.75%; 3 homozygotes.

Submissions (5):

Labcorp Genetics (formerly Invitae), Labcorp
Classification: Benign for Atrial fibrillation, familial, 7. Last evaluated: 2026-01-13. Review status: criteria provided, single submitter. Criteria: Invitae Variant Classification Sherloc (09022015). Collection method: clinical testing. Allele origin: germline.

Blueprint Genetics
Classification: Likely benign. Last evaluated: 2024-10-30. Review status: criteria provided, single submitter. Criteria: ACMG Guidelines, 2015. Collection method: clinical testing. Allele origin: germline.

GeneDx
Classification: Likely benign. Last evaluated: 2021-04-15. Review status: criteria provided, single submitter. Criteria: GeneDx Variant Classification Process June 2021. Collection method: clinical testing. Allele origin: germline. Affected: yes.

Illumina Laboratory Services, Illumina
Classification: Likely benign for Atrial fibrillation, familial, 7. Last evaluated: 2018-01-13. Review status: criteria provided, single submitter. Criteria: ICSL Variant Classification Criteria 13 December 2019. Collection method: clinical testing. Allele origin: germline.
Comment: This variant was observed in the ICSL laboratory as part of a predisposition screen in an ostensibly healthy population. It had not been previously curated by ICSL or reported in the Human Gene Mutation Database (HGMD: prior to June 1st, 2018), and was therefore a candidate for classification through an automated scoring system. Utilizing variant allele frequency, disease prevalence and penetrance estimates, and inheritance mode, an automated score was calculated to assess if this variant is too frequent to cause the disease. Based on the score and internal cut-off values, a variant classified as likely benign is not then subjected to further curation. The score for this variant resulted in a classification of likely benign for this disease.

John Welsh Cardiovascular Diagnostic Laboratory, Baylor College of Medicine
Classification: Benign for Pulmonary arterial hypertension. Last evaluated: 2022-09-26. Review status: no assertion criteria provided. Criteria: ACMG Guidelines, 2015. Collection method: clinical testing. Allele origin: germline. Not counted in ClinVar's aggregate classification.